The following is an entry in ClinVar:

ClinVar aggregate classification (germline): Uncertain significance (1 of 4 stars; one submission).

Conditions:
Congenital hyperammonemia, type I. Also called: Carbamoyl-phosphate synthase I deficiency; CPS I DEFICIENCY; Carbamoyl phosphate synthetase I deficiency disease; Carbamoyl phosphate synthetase 1 deficiency; Hyperammonemia due to carbamoyl phosphate synthetase 1 deficiency; CPS 1 deficiency. Identifiers: Orphanet 147, MedGen C4082171, MONDO:0009376, OMIM 237300.

Allele frequency attached by ClinVar (database versions not stated): gnomAD exomes below 0.00001.
gnomAD v4.1: 3 of 1,613,948 alleles (0.00019%); highest among the groups gnomAD compares: Non-Finnish European, 0.00025%; no homozygotes.

Submission:

Labcorp Genetics (formerly Invitae), Labcorp
Classification: Uncertain significance for Congenital hyperammonemia, type I. Last evaluated: 2022-03-20. Review status: criteria provided, single submitter. Criteria: Invitae Variant Classification Sherloc (09022015). Collection method: clinical testing. Allele origin: germline.
Comment: This sequence change replaces asparagine, which is neutral and polar, with serine, which is neutral and polar, at codon 141 of the CPS1 protein (p.Asn141Ser). This variant is not present in population databases (gnomAD no frequency). This variant has not been reported in the literature in individuals affected with CPS1-related conditions. Algorithms developed to predict the effect of missense changes on protein structure and function (SIFT, PolyPhen-2, Align-GVGD) all suggest that this variant is likely to be tolerated. In summary, the available evidence is currently insufficient to determine the role of this variant in disease. Therefore, it has been classified as a Variant of Uncertain Significance.

NM_001875.5(CPS1):c.422A>G (p.Asn141Ser)

Gene: CPS1 (carbamoyl-phosphate synthase 1; plus strand). Cytogenetic location: 2q34.
Variant type: single nucleotide variant.
Coding change: c.422A>G on transcript NM_001875.5 (MANE Select); coding-DNA position 422, A replaced by G.
Protein change: p.Asn141Ser; replaces asparagine 141 with serine.
Molecular consequence: missense variant. On other transcripts: non-coding transcript variant (1).
Genome position (GRCh38, 1-based): chr2:210,577,461, A>G. VCF-style: chr2-210577461-A-G. GRCh37 (hg19) VCF-style: chr2-211442185-A-G.
Other names: c.422A>G, p.Asn141Ser (NM_001122633.3, NM_001369257.1); c.455A>G, p.Asn152Ser (NM_001369256.1); short protein forms N152S, N141S.
Identifiers: ClinVar variation 1971856 (VCV001971856.2), dbSNP rs2469087994, ClinGen allele CA350424919.